The following is an entry in ClinVar:

NM_000059.4(BRCA2):c.10088T>C (p.Ile3363Thr)

Gene: BRCA2 (BRCA2 DNA repair associated; plus strand). Cytogenetic location: 13q13.1.
Variant type: single nucleotide variant.
Coding change: c.10088T>C on transcript NM_000059.4 (MANE Select); coding-DNA position 10088, T replaced by C.
Protein change: p.Ile3363Thr; replaces isoleucine 3363 with threonine.
Molecular consequence: missense variant.
Genome position (GRCh38, 1-based): chr13:32,398,601, T>C. VCF-style: chr13-32398601-T-C. GRCh37 (hg19) VCF-style: chr13-32972738-T-C.
Other names: short protein forms I3363T.
Identifiers: ClinVar variation 1019073 (VCV001019073.11), dbSNP rs2073055499, ClinGen allele CA387767959.

ClinVar aggregate classification (germline): Uncertain significance. Review status: criteria provided, multiple submitters, no conflicts (2 of 4 stars). 2 submissions from 2 submitters: Uncertain significance (2). Last evaluated 2022-04-07.

Conditions:
Hereditary cancer-predisposing syndrome. Also called: Tumor predisposition; Neoplastic Syndromes, Hereditary; Hereditary neoplastic syndrome; Hereditary Cancer Syndrome. Identifiers: Orphanet 140162, MedGen C0027672, MeSH D009386, MONDO:0015356.
Hereditary breast ovarian cancer syndrome. Also called: BRCA1- and BRCA2-Associated Hereditary Breast and Ovarian Cancer; Hereditary breast and/or ovarian cancer syndrome; Hereditary breast and ovarian cancer syndrome; Hereditary breast and ovarian cancer; Hereditary breast and ovarian cancer syndrome (HBOC); Breast and ovarian cancer. Identifiers: Orphanet 145, MedGen C0677776, MeSH D061325, MONDO:0003582. Disease mechanism: loss of function.

Submissions (2):

Ambry Genetics
Classification: Uncertain significance for Hereditary cancer-predisposing syndrome. Last evaluated: 2022-04-07. Review status: criteria provided, single submitter. Criteria: Ambry Variant Classification Scheme 2023. Collection method: clinical testing. Allele origin: germline.
Comment: The p.I3363T variant (also known as c.10088T>C), located in coding exon 26 of the BRCA2 gene, results from a T to C substitution at nucleotide position 10088. The isoleucine at codon 3363 is replaced by threonine, an amino acid with similar properties. This amino acid position is conserved. In addition, this alteration is predicted to be tolerated by in silico analysis. Since supporting evidence is limited at this time, the clinical significance of this alteration remains unclear.

Labcorp Genetics (formerly Invitae), Labcorp
Classification: Uncertain significance for Hereditary breast ovarian cancer syndrome. Last evaluated: 2020-08-27. Review status: criteria provided, single submitter. Criteria: Invitae Variant Classification Sherloc (09022015). Collection method: clinical testing. Allele origin: germline.
Comment: This sequence change replaces isoleucine with threonine at codon 3363 of the BRCA2 protein (p.Ile3363Thr). The isoleucine residue is weakly conserved and there is a moderate physicochemical difference between isoleucine and threonine. This variant is not present in population databases (ExAC no frequency). This variant has not been reported in the literature in individuals with BRCA2-related conditions. Algorithms developed to predict the effect of missense changes on protein structure and function output the following: SIFT: "Tolerated"; PolyPhen-2: "Benign"; Align-GVGD: "Class C0". The threonine amino acid residue is found in multiple mammalian species, suggesting that this missense change does not adversely affect protein function. These predictions have not been confirmed by published functional studies and their clinical significance is uncertain. In summary, the available evidence is currently insufficient to determine the role of this variant in disease. Therefore, it has been classified as a Variant of Uncertain Significance.